The following is an entry in ClinVar:

NM_199242.3(UNC13D):c.2038C>T (p.Arg680Trp)

Gene: UNC13D (unc-13 homolog D; minus strand). Cytogenetic location: 17q25.1.
Variant type: single nucleotide variant.
Coding change: c.2038C>T on transcript NM_199242.3 (MANE Select); coding-DNA position 2038, C replaced by T.
Protein change: p.Arg680Trp; replaces arginine 680 with tryptophan.
Molecular consequence: missense variant.
Genome position (GRCh38, 1-based): chr17:75,834,671, G>A on the plus strand (C>T on the coding strand, the complement: UNC13D is on the minus strand). VCF-style: chr17-75834671-G-A. GRCh37 (hg19) VCF-style: chr17-73830752-G-A.
Other names: short protein forms R680W.
Identifiers: ClinVar variation 1442805 (VCV001442805.7), dbSNP rs200341276, ClinGen allele CA8772694.

ClinVar aggregate classification (germline): Uncertain significance. Review status: criteria provided, multiple submitters, no conflicts (2 of 4 stars). 3 submissions from 3 submitters: Uncertain significance (3). Last evaluated 2024-10-28.

Conditions:
Familial hemophagocytic lymphohistiocytosis 3 (FHL3). Also called: UNC13D-Related Familial Hemophagocytic Lymphohistiocytosis (UNC13D-fHLH). Identifiers: Orphanet 540, MedGen C1837174, MONDO:0012146, OMIM 608898.

Allele frequency attached by ClinVar (database versions not stated): gnomAD exomes 0.00002 and 0.00001; ExAC 0.00001; gnomAD 0.00001.
gnomAD v4.1: 16 of 1,613,616 alleles (0.00099%); highest among the groups gnomAD compares: Admixed American, 0.0083%; no homozygotes.

Submissions (3):

Women's Health and Genetics/Laboratory Corporation of America, LabCorp
Classification: Uncertain significance. Last evaluated: 2024-10-28. Review status: criteria provided, single submitter. Criteria: LabCorp Variant Classification Summary - May 2015. Collection method: clinical testing. Allele origin: germline.
Comment: Variant summary: UNC13D c.2038C>T (p.Arg680Trp) results in a non-conservative amino acid change located in the MUN domain (IPR010439) of the encoded protein sequence. Five of five in-silico tools predict a damaging effect of the variant on protein function. The variant allele was found at a frequency of 1.6e-05 in 249946 control chromosomes (gnomAD). The available data on variant occurrences in the general population are insufficient to allow any conclusion about variant significance. c.2038C>T has been reported in the literature in at least an individual affected with clinical features of Familial Hemophagocytic Lymphohistiocytosis (example: Taieb_2021). These data do not allow any conclusion about variant significance. To our knowledge, no experimental evidence demonstrating an impact on protein function has been reported. The following publication has been ascertained in the context of this evaluation (PMID: 33658321). ClinVar contains an entry for this variant (Variation ID: 1442805). Based on the evidence outlined above, the variant was classified as uncertain significance.

Labcorp Genetics (formerly Invitae), Labcorp
Classification: Uncertain significance for Familial hemophagocytic lymphohistiocytosis 3. Last evaluated: 2022-10-27. Review status: criteria provided, single submitter. Criteria: Invitae Variant Classification Sherloc (09022015). Collection method: clinical testing. Allele origin: germline.
Comment: This sequence change replaces arginine, which is basic and polar, with tryptophan, which is neutral and slightly polar, at codon 680 of the UNC13D protein (p.Arg680Trp). This variant is present in population databases (rs200341276, gnomAD 0.01%). This missense change has been observed in individual(s) with clinical features of hemophagocytic lymphohistiocytosis (PMID: 33658321). ClinVar contains an entry for this variant (Variation ID: 1442805). Advanced modeling of protein sequence and biophysical properties (such as structural, functional, and spatial information, amino acid conservation, physicochemical variation, residue mobility, and thermodynamic stability) performed at Invitae indicates that this missense variant is expected to disrupt UNC13D protein function. In summary, the available evidence is currently insufficient to determine the role of this variant in disease. Therefore, it has been classified as a Variant of Uncertain Significance.

GeneDx
Classification: Uncertain significance. Last evaluated: 2022-02-10. Review status: criteria provided, single submitter. Criteria: GeneDx Variant Classification Process June 2021. Collection method: clinical testing. Allele origin: germline. Affected: yes.
Comment: In silico analysis supports that this missense variant has a deleterious effect on protein structure/function; This variant is associated with the following publications: (PMID: 33658321)

Literature cited by the submitters: PubMed 33658321 (cited by Women's Health and Genetics/Laboratory Corporation of America, LabCorp and Labcorp Genetics (formerly Invitae), Labcorp).